The following is an entry in ClinVar:

NM_001854.4(COL11A1):c.511G>A (p.Val171Met)

Gene: COL11A1 (collagen type XI alpha 1 chain; minus strand). Cytogenetic location: 1p21.1.
Variant type: single nucleotide variant.
Coding change: c.511G>A on transcript NM_001854.4 (MANE Select); coding-DNA position 511, G replaced by A.
Protein change: p.Val171Met; replaces valine 171 with methionine.
Molecular consequence: missense variant. On other transcripts: non-coding transcript variant (1).
Genome position (GRCh38, 1-based): chr1:103,074,758, C>T on the plus strand (G>A on the coding strand, the complement: COL11A1 is on the minus strand). VCF-style: chr1-103074758-C-T. GRCh37 (hg19) VCF-style: chr1-103540314-C-T.
Other names: c.511G>A, p.Val171Met (NM_001190709.2, NM_080629.3, NM_080630.4); short protein forms V171M.
Identifiers: ClinVar variation 875940 (VCV000875940.15), dbSNP rs751182532, ClinGen allele CA975420.

ClinVar aggregate classification (germline): Conflicting classifications of pathogenicity. Review status: criteria provided, conflicting classifications (1 of 4 stars). 6 submissions from 5 submitters: Uncertain significance (5); Likely benign (1). Last evaluated 2025-07-22.

Conditions:
Fibrochondrogenesis 1 (FBCG1). Identifiers: Orphanet 2021, MedGen C3278138, MONDO:0009226, OMIM 228520.
Stickler syndrome type 2 (STL2). Also called: STICKLER SYNDROME, TYPE II; STICKLER SYNDROME, BEADED VITREOUS TYPE; STICKLER SYNDROME, VITREOUS TYPE 2; COL11A1-Related Stickler Syndrome. Identifiers: Orphanet 828, Orphanet 90654, MedGen C1858084, MONDO:0011493, OMIM 604841.
COL11A1-related disorder. Also called: COL11A1-related disorders; COL11A1-related condition.

Allele frequency attached by ClinVar (database versions not stated): gnomAD 0.00001; gnomAD exomes 0.00001 and 0.00002; TOPMed 0.00002; ExAC 0.00003.

Submissions (6):

Dasa
Classification: Uncertain significance. Last evaluated: 2025-07-22. Review status: criteria provided, single submitter. Criteria: DASA Assertion Criteria. Collection method: clinical testing. Allele origin: germline.
Comment: NM_001854.4(COL11A1):c.511G>A (p.Val171Met) is a missense variant that results in the substitution of valine with methionine. This variant is rare in population databases. The currently available literature and clinical evidence are not sufficient to establish a definitive association between this variant and the reported condition. Therefore, this variant is classified as a variant of uncertain significance.

PreventionGenetics, part of Exact Sciences
Classification: Uncertain significance for COL11A1-related condition. Last evaluated: 2025-04-25. Review status: criteria provided, single submitter. Criteria: ACMG Guidelines, 2015. Collection method: clinical testing. Allele origin: germline.
Comment: The COL11A1 c.511G>A variant is predicted to result in the amino acid substitution p.Val171Met. This variant was reported in an individual with fibrochondrogenesis/Stickler syndrome (Table S4, Tollefson et al. 2023. PubMed ID: 37086329). This variant is reported in 0.012% of alleles in individuals of Latino descent in gnomAD. At this time, the clinical significance of this variant is uncertain due to the absence of conclusive functional and genetic evidence.

Labcorp Genetics (formerly Invitae), Labcorp
Classification: Likely benign. Last evaluated: 2025-03-18. Review status: criteria provided, single submitter. Criteria: Invitae Variant Classification Sherloc (09022015). Collection method: clinical testing. Allele origin: germline.

GeneDx
Classification: Uncertain significance. Last evaluated: 2023-08-22. Review status: criteria provided, single submitter. Criteria: GeneDx Variant Classification Process June 2021. Collection method: clinical testing. Allele origin: germline. Affected: yes.
Comment: Not observed at significant frequency in large population cohorts (gnomAD); In silico analysis supports that this missense variant has a deleterious effect on protein structure/function; Not located in the triple helical region, where the majority of pathogenic missense variants occur (HGMD; Acke et al., 2014); Has not been previously published as pathogenic or benign to our knowledge; This variant is associated with the following publications: (PMID: 25240749)

Illumina Laboratory Services, Illumina
Classification: Uncertain significance for Fibrochondrogenesis 1. Last evaluated: 2018-01-13. Review status: criteria provided, single submitter. Criteria: ICSL Variant Classification Criteria 13 December 2019. Collection method: clinical testing. Allele origin: germline.

Illumina Laboratory Services, Illumina
Classification: Uncertain significance for Stickler syndrome type 2. Last evaluated: 2018-01-13. Review status: criteria provided, single submitter. Criteria: ICSL Variant Classification Criteria 13 December 2019. Collection method: clinical testing. Allele origin: germline.